The following is an entry in ClinVar:

ClinVar aggregate classification (germline): Likely benign (1 of 4 stars; one submission).

Conditions:
TRPM6-related disorder. Also called: TRPM6-related condition.

Submission:

PreventionGenetics, part of Exact Sciences
Classification: Likely benign for TRPM6-related condition. Last evaluated: 2026-02-27. Review status: criteria provided, single submitter. Criteria: ACMG Guidelines, 2015. Collection method: clinical testing. Allele origin: germline.
Comment: This variant is classified as likely benign based on ACMG/AMP sequence variant interpretation guidelines (Richards et al. 2015 PMID: 25741868, with internal and published modifications).

NM_017662.5(TRPM6):c.5463C>T (p.Ser1821=)

Gene: TRPM6 (transient receptor potential cation channel subfamily M member 6; minus strand). Cytogenetic location: 9q21.13.
Variant type: single nucleotide variant.
Coding change: c.5463C>T on transcript NM_017662.5 (MANE Select); coding-DNA position 5463, C replaced by T.
Protein change: p.Ser1821=; no amino-acid change (serine 1821 retained).
Molecular consequence: synonymous variant.
Genome position (GRCh38, 1-based): chr9:74,739,747, G>A on the plus strand (C>T on the coding strand, the complement: TRPM6 is on the minus strand). VCF-style: chr9-74739747-G-A. GRCh37 (hg19) VCF-style: chr9-77354663-G-A.
Other names: c.5448C>T, p.Ser1816= (NM_001177310.2, NM_001177311.2).
Identifiers: ClinVar variation 4992420 (VCV004992420.1).
Genomic context (GRCh38, chr9:74,739,747, plus strand): 5'-CCCTCTGGGCTATGGGTCTCTGAGTTTCAGACTTACCCTGAGGCAAAGATGAAGCACAGT[G>A]CTCTCCTGGAAGATTTTATGCCATGTCCGCACAACCTCAGGAAGAAAGGACTTGACAATG-3'
Protein context (NP_060132.3, residues 1811-1831): VRTWHKIFQE[Ser1821=]TVLHLCLREI